The following is an entry in ClinVar:

NM_005359.6(SMAD4):c.668G>A (p.Ser223Asn)

Gene: SMAD4 (SMAD family member 4; plus strand). Cytogenetic location: 18q21.2.
Variant type: single nucleotide variant.
Coding change: c.668G>A on transcript NM_005359.6 (MANE Select); coding-DNA position 668, G replaced by A.
Protein change: p.Ser223Asn; replaces serine 223 with asparagine.
Molecular consequence: missense variant.
Genome position (GRCh38, 1-based): chr18:51,058,125, G>A. VCF-style: chr18-51058125-G-A. GRCh37 (hg19) VCF-style: chr18-48584495-G-A.
Other names: short protein forms S223N.
Identifiers: ClinVar variation 1332627 (VCV001332627.3), dbSNP rs774334251, ClinGen allele CA8965886.

ClinVar aggregate classification (germline): Uncertain significance. Review status: criteria provided, multiple submitters, no conflicts (2 of 4 stars). 2 submissions from 2 submitters: Uncertain significance (2). Last evaluated 2025-11-12.

Conditions:
Familial thoracic aortic aneurysm and aortic dissection (TAAD). Also called: Thoracic aortic aneurysms and dissections. Identifiers: Orphanet 91387, MedGen C4707243, MONDO:0019625.
Hereditary cancer-predisposing syndrome. Also called: Tumor predisposition; Hereditary Cancer Syndrome; Neoplastic Syndromes, Hereditary; Hereditary neoplastic syndrome. Identifiers: Orphanet 140162, MedGen C0027672, MeSH D009386, MONDO:0015356.

Allele frequency attached by ClinVar (database versions not stated): gnomAD exomes below 0.00001; gnomAD 0.00001; ExAC 0.00002.
gnomAD v4.1: 3 of 1,613,876 alleles (0.00019%); highest among the groups gnomAD compares: Non-Finnish European, 0.00025%; no homozygotes.

Submissions (2):

Ambry Genetics
Classification: Uncertain significance for Hereditary cancer-predisposing syndrome; Familial thoracic aortic aneurysm and aortic dissection. Last evaluated: 2025-11-12. Review status: criteria provided, single submitter. Criteria: Ambry Variant Classification Scheme 2023. Collection method: clinical testing. Allele origin: germline.
Comment: The p.S223N variant (also known as c.668G>A), located in coding exon 5 of the SMAD4 gene, results from a G to A substitution at nucleotide position 668. This variant impacts the first base pair of coding exon 5. The serine at codon 223 is replaced by asparagine, an amino acid with highly similar properties. This amino acid position is highly conserved in available vertebrate species. In addition, this alteration is predicted to be tolerated by in silico analysis. Based on the available evidence, the clinical significance of this variant remains unclear.

Color Diagnostics, LLC DBA Color Health
Classification: Uncertain significance for Hereditary cancer-predisposing syndrome. Last evaluated: 2021-04-13. Review status: criteria provided, single submitter. Criteria: ACMG Guidelines, 2015. Collection method: clinical testing. Allele origin: germline.
Comment: This missense variant replaces serine with asparagine at codon 223 of the SMAD4 protein. Computational prediction suggests that this variant may not impact protein structure and function (internally defined REVEL score threshold <= 0.5, PMID: 27666373). To our knowledge, functional studies have not been reported for this variant. This variant has not been reported in individuals affected with hereditary cancer in the literature. This variant has been identified in 2/282670 chromosomes in the general population by the Genome Aggregation Database (gnomAD). The available evidence is insufficient to determine the role of this variant in disease conclusively. Therefore, this variant is classified as a Variant of Uncertain Significance.